The following is an entry in ClinVar:

NM_001267550.2(TTN):c.50746G>T (p.Glu16916Ter)

Genes: TTN (titin; minus strand), TTN-AS1 (TTN antisense RNA 1; plus strand). Cytogenetic location: 2q31.2.
Variant type: single nucleotide variant.
Coding change: c.50746G>T on transcript NM_001267550.2 (MANE Select); coding-DNA position 50746, G replaced by T.
Protein change: p.Glu16916Ter; replaces glutamic acid 16916 with a stop codon.
Molecular consequence: nonsense.
Genome position (GRCh38, 1-based): chr2:178,611,483, C>A on the plus strand (G>T on the coding strand, the complement: TTN is on the minus strand). VCF-style: chr2-178611483-C-A. GRCh37 (hg19) VCF-style: chr2-179476210-C-A.
Other names: c.45823G>T, p.Glu15275Ter (NM_001256850.1); c.23551G>T, p.Glu7851Ter (NM_003319.4); c.43042G>T, p.Glu14348Ter (NM_133378.4); c.23926G>T, p.Glu7976Ter (NM_133432.3); c.24127G>T, p.Glu8043Ter (NM_133437.4); short protein forms E14348*, E15275*, E16916*, E7851*, E7976*, E8043*.
Identifiers: ClinVar variation 3759493 (VCV003759493.2).

ClinVar aggregate classification (germline): Likely pathogenic (1 of 4 stars; one submission).

Conditions:
Dilated cardiomyopathy 1G (CMD1G). Identifiers: Orphanet 154, MedGen C1858763, MONDO:0011400, OMIM 604145.
Autosomal recessive limb-girdle muscular dystrophy type 2J (LGMDR10). Also called: Limb-girdle muscular dystrophy, type 2J; MUSCULAR DYSTROPHY, LIMB-GIRDLE, AUTOSOMAL RECESSIVE 10. Identifiers: Orphanet 140922, MedGen C1837342, MONDO:0012127, OMIM 608807.

Submission:

Labcorp Genetics (formerly Invitae), Labcorp
Classification: Likely pathogenic for Dilated cardiomyopathy 1G; Autosomal recessive limb-girdle muscular dystrophy type 2J. Last evaluated: 2024-10-16. Review status: criteria provided, single submitter. Criteria: Invitae Variant Classification Sherloc (09022015). Collection method: clinical testing. Allele origin: germline.
Comment: This sequence change creates a premature translational stop signal (p.Glu16916*) in the TTN gene. While this is not anticipated to result in nonsense mediated decay, it is expected to create a truncated TTN protein. This variant is not present in population databases (gnomAD no frequency). This variant has not been reported in the literature in individuals affected with TTN-related conditions. Algorithms developed to predict the effect of sequence changes on RNA splicing suggest that this variant may disrupt the consensus splice site. This variant is located in the A band of TTN (PMID: 25589632). Truncating variants in this region are significantly overrepresented in patients affected with dilated cardiomyopathy (PMID: 25589632). Truncating variants in this region have also been reported in individuals affected with autosomal recessive centronuclear myopathy (PMID: 23975875). In summary, the currently available evidence indicates that the variant is pathogenic, but additional data are needed to prove that conclusively. Therefore, this variant has been classified as Likely Pathogenic.

Literature cited by the submitters: PubMed 25589632; PubMed 23975875.